The following is an entry in ClinVar:

ClinVar aggregate classification (germline): Uncertain significance (1 of 4 stars; one submission).

Conditions:
Arrhythmogenic right ventricular dysplasia 13. Also called: Arrhythmogenic right ventricular dysplasia, familial, 13; ARRHYTHMOGENIC RIGHT VENTRICULAR CARDIOMYOPATHY 13. Identifiers: MedGen C3810138, MONDO:0000908, OMIM 615616.

Allele frequency attached by ClinVar (database versions not stated): ExAC 0.00004.
gnomAD v4.1: 56 of 1,613,590 alleles (0.0035%); highest among the groups gnomAD compares: South Asian, 0.052%; no homozygotes.

Submission:

Labcorp Genetics (formerly Invitae), Labcorp
Classification: Uncertain significance for Arrhythmogenic right ventricular dysplasia 13. Last evaluated: 2024-06-03. Review status: criteria provided, single submitter. Criteria: Invitae Variant Classification Sherloc (09022015). Collection method: clinical testing. Allele origin: germline.
Comment: This sequence change replaces alanine, which is neutral and non-polar, with threonine, which is neutral and polar, at codon 330 of the CTNNA3 protein (p.Ala330Thr). This variant is present in population databases (rs758057945, gnomAD 0.03%), and has an allele count higher than expected for a pathogenic variant. This variant has not been reported in the literature in individuals affected with CTNNA3-related conditions. ClinVar contains an entry for this variant (Variation ID: 2074706). Advanced modeling of protein sequence and biophysical properties (such as structural, functional, and spatial information, amino acid conservation, physicochemical variation, residue mobility, and thermodynamic stability) performed at Invitae indicates that this missense variant is not expected to disrupt CTNNA3 protein function with a negative predictive value of 80%. In summary, the available evidence is currently insufficient to determine the role of this variant in disease. Therefore, it has been classified as a Variant of Uncertain Significance.

NM_013266.4(CTNNA3):c.988G>A (p.Ala330Thr)

Gene: CTNNA3 (catenin alpha 3; minus strand). Cytogenetic location: 10q21.3.
Variant type: single nucleotide variant.
Coding change: c.988G>A on transcript NM_013266.4 (MANE Select); coding-DNA position 988, G replaced by A.
Protein change: p.Ala330Thr; replaces alanine 330 with threonine.
Molecular consequence: missense variant.
Genome position (GRCh38, 1-based): chr10:67,180,376, C>T on the plus strand (G>A on the coding strand, the complement: CTNNA3 is on the minus strand). VCF-style: chr10-67180376-C-T. GRCh37 (hg19) VCF-style: chr10-68940134-C-T.
Other names: c.988G>A, p.Ala330Thr (NM_001127384.3); c.1024G>A, p.Ala342Thr (NM_001291133.2); short protein forms A330T, A342T.
Identifiers: ClinVar variation 2074706 (VCV002074706.4), dbSNP rs758057945, ClinGen allele CA5520432.